The following is an entry in ClinVar:

ClinVar aggregate classification (germline): Conflicting classifications of pathogenicity. Review status: criteria provided, conflicting classifications (1 of 4 stars). 2 submissions from 2 submitters: Pathogenic (1); Uncertain significance (1). Last evaluated 2022-12-29.

Conditions:
Diamond-Blackfan anemia 1 (DBA1). Also called: RPS19-Related Diamond-Blackfan Anemia; BLACKFAN-DIAMOND SYNDROME; ANEMIA, CONGENITAL HYPOPLASTIC, OF BLACKFAN AND DIAMOND; ANEMIA, CONGENITAL ERYTHROID HYPOPLASTIC; RED CELL APLASIA, PURE, HEREDITARY; AREGENERATIVE ANEMIA, CHRONIC CONGENITAL. Identifiers: Orphanet 124, MedGen C2676137, MONDO:0007110, OMIM 105650.

Submissions (2):

Greenwood Genetic Center Diagnostic Laboratories, Greenwood Genetic Center
Classification: Uncertain significance. Last evaluated: 2022-12-29. Review status: criteria provided, single submitter. Criteria: ACMG Guidelines, 2015. Collection method: clinical testing. Allele origin: germline. Affected: yes.
Comment: PM2, PP3

Department of Pediatrics, Hirosaki University Graduate School of Medicine
Classification: Pathogenic for Diamond-Blackfan anemia 1. Review status: criteria provided, single submitter. Criteria: Kanezaki et al. (Haematologica. 2026). Collection method: research, in vitro. Allele origin: de novo, not applicable. Inheritance: Autosomal dominant inheritance. Affected: yes. Observed: 1 variant allele, 1 heterozygote. Functional consequence: activated cryptic splice donor. Segregation with disease not observed.
Comment: The NM_001022.4(RPS19):c.172+907A>G variant was identified in subjects meeting the clinical diagnostic criteria for Diamond-Blackfan anemia syndrome (DBAS). The variant is absent from the gnomAD population database. As described in PMID:41568468, this variant causes a splicing abnormality, resulting in the insertion of a 152-base-pair cryptic exon between exons 3 and 4. The resulting transcript is predicted to produce a frameshifted protein, p.Ala58Glyfs*25, leading to loss of normal RPS19 function. The specific DBAS phenotype, absence from population databases, and demonstrated splicing abnormality support the classification of this variant as pathogenic.

NM_001022.4(RPS19):c.172+907A>G

Genes: RPS19 (ribosomal protein S19; plus strand), RPS19-CD79A (RPS19-CD79A readthrough; plus strand). Cytogenetic location: 19q13.2.
Variant type: single nucleotide variant.
Coding change: c.172+907A>G on transcript NM_001022.4 (MANE Select); 907 bases into the intron after coding-DNA position 172, A replaced by G.
Molecular consequence: intron variant.
Genome position (GRCh38, 1-based): chr19:41,862,119, A>G. VCF-style: chr19-41862119-A-G. GRCh37 (hg19) VCF-style: chr19-42366192-A-G.
Other names: c.172+907A>G (NM_001321484.2, NM_001321483.2); c.185+894A>G (NM_001321485.2).
Identifiers: ClinVar variation 2429050 (VCV002429050.5), dbSNP rs61761229, ClinGen allele CA308589759.